The following is an entry in ClinVar:

NM_004064.5(CDKN1B):c.29G>A (p.Ser10Asn)

Gene: CDKN1B (cyclin dependent kinase inhibitor 1B; plus strand). Cytogenetic location: 12p13.1.
Variant type: single nucleotide variant.
Coding change: c.29G>A on transcript NM_004064.5 (MANE Select); coding-DNA position 29, G replaced by A.
Protein change: p.Ser10Asn; replaces serine 10 with asparagine.
Molecular consequence: missense variant.
Genome position (GRCh38, 1-based): chr12:12,717,868, G>A. VCF-style: chr12-12717868-G-A. GRCh37 (hg19) VCF-style: chr12-12870802-G-A.
Other names: short protein forms S10N.
Identifiers: ClinVar variation 469019 (VCV000469019.16), dbSNP rs1555085482, ClinGen allele CA383968018.
Genomic context (GRCh38, chr12:12,717,868, plus strand): 5'-GAGAGAGGCGGTCGTGCAGACCCGGGAGAAAGATGTCAAACGTGCGAGTGTCTAACGGGA[G>A]CCCTAGCCTGGAGCGGATGGACGCCAGGCAGGCGGAGCACCCCAAGCCCTCGGCCTGCAG-3'
Protein context (NP_004055.1, residues 1-20): MSNVRVSNG[Ser10Asn]PSLERMDARQ

ClinVar aggregate classification (germline): Uncertain significance. Review status: criteria provided, multiple submitters, no conflicts (2 of 4 stars). 3 submissions from 3 submitters: Uncertain significance (3). Last evaluated 2025-10-07.

Conditions:
Hereditary cancer-predisposing syndrome. Also called: Hereditary neoplastic syndrome; Neoplastic Syndromes, Hereditary; Tumor predisposition; Hereditary Cancer Syndrome. Identifiers: Orphanet 140162, MedGen C0027672, MeSH D009386, MONDO:0015356.
Multiple endocrine neoplasia type 4. Also called: MULTIPLE ENDOCRINE NEOPLASIA, TYPE IV. Identifiers: Orphanet 276152, MedGen C1970712, MONDO:0012552, OMIM 610755.

Submissions (3):

Labcorp Genetics (formerly Invitae), Labcorp
Classification: Uncertain significance for Multiple endocrine neoplasia type 4. Last evaluated: 2025-10-07. Review status: criteria provided, single submitter. Criteria: Invitae Variant Classification Sherloc (09022015). Collection method: clinical testing. Allele origin: germline.
Comment: This sequence change replaces serine, which is neutral and polar, with asparagine, which is neutral and polar, at codon 10 of the CDKN1B protein (p.Ser10Asn). This variant is not present in population databases (gnomAD no frequency). This variant has not been reported in the literature in individuals affected with CDKN1B-related conditions. ClinVar contains an entry for this variant (Variation ID: 469019). An algorithm developed to predict the effect of missense changes on protein structure and function (PolyPhen-2) suggests that this variant is likely to be disruptive. In summary, the available evidence is currently insufficient to determine the role of this variant in disease. Therefore, it has been classified as a Variant of Uncertain Significance.

Ambry Genetics
Classification: Uncertain significance for Hereditary cancer-predisposing syndrome. Last evaluated: 2024-10-18. Review status: criteria provided, single submitter. Criteria: Ambry Variant Classification Scheme 2023. Collection method: clinical testing. Allele origin: germline.
Comment: The p.S10N variant (also known as c.29G>A), located in coding exon 1 of the CDKN1B gene, results from a G to A substitution at nucleotide position 29. The serine at codon 10 is replaced by asparagine, an amino acid with highly similar properties. This amino acid position is highly conserved in available vertebrate species. In addition, this alteration is predicted to be tolerated by in silico analysis. Based on the available evidence, the clinical significance of this variant remains unclear.

Baylor Genetics
Classification: Uncertain significance for Multiple endocrine neoplasia type 4. Last evaluated: 2024-03-21. Review status: criteria provided, single submitter. Criteria: ACMG Guidelines, 2015. Collection method: clinical testing. Allele origin: unknown.